The following is an entry in ClinVar:

ClinVar aggregate classification (germline): Pathogenic (1 of 4 stars; one submission).

Conditions:
Epidermolysis bullosa simplex 3, localized or generalized intermediate, with BP230 deficiency (EBS3). Also called: Epidermolysis bullosa simplex, autosomal recessive 2; Epidermolysis bullosa simplex due to BP230 deficiency. Identifiers: Orphanet 412181, MedGen C3809470, MONDO:0014180, OMIM 615425.
Hereditary sensory and autonomic neuropathy type 6. Also called: Neuropathy, hereditary sensory and autonomic, type VI; HSAN VI. Identifiers: Orphanet 314381, MedGen C3539003, MONDO:0013839, OMIM 614653.

Submission:

Labcorp Genetics (formerly Invitae), Labcorp
Classification: Pathogenic for Epidermolysis bullosa simplex 3, localized or generalized intermediate, with BP230 deficiency; Hereditary sensory and autonomic neuropathy type 6. Last evaluated: 2023-05-15. Review status: criteria provided, single submitter. Criteria: Invitae Variant Classification Sherloc (09022015). Collection method: clinical testing. Allele origin: germline.
Comment: This variant is not present in population databases (gnomAD no frequency). This sequence change creates a premature translational stop signal (p.Asn2458Lysfs*18) in the DST gene. It is expected to result in an absent or disrupted protein product. Loss-of-function variants in DST are known to be pathogenic (PMID: 22522446, 25059916, 30371979). The DST gene has multiple clinically relevant transcripts. This variant occurs in alternate transcript NM_015548.4, and corresponds to NM_001723.5:c.*61967_*61968insA in the primary transcript. For these reasons, this variant has been classified as Pathogenic. This variant has not been reported in the literature in individuals affected with DST-related conditions.

Literature cited by the submitters: PubMed 22522446; PubMed 25059916; PubMed 30371979.

NM_001374736.1(DST):c.15242dup (p.Asn5081fs)

Gene: DST (dystonin; minus strand). Cytogenetic location: 6p12.1.
Variant type: Duplication.
Coding change: c.15242dup on transcript NM_001374736.1 (MANE Select); coding-DNA position 15242, one base duplicated (A; older notation c.15242dupA).
Protein change: p.Asn5081fs; shifts the reading frame from asparagine 5081.
Molecular consequence: frameshift variant.
Genome position (GRCh38, 1-based): chr6:56,553,550, T duplicated on the plus strand (A on the coding strand, the reverse complement: DST is on the minus strand); the first of 4 consecutive T bases (chr6:56,553,550-56,553,553); duplicating any one gives the same sequence. VCF-style (leftmost placement, unchanged base first): chr6-56553549-G-GT. GRCh37 (hg19) VCF-style: chr6-56418347-G-GT.
Other names: c.8885dup, p.Asn2962fs (NM_001144769.5); c.8471dup, p.Asn2824fs (NM_001144770.2); c.15242dup, p.Asn5081fs (NM_001374722.1); c.14609dup, p.Asn4870fs (NM_001374729.1); c.8351dup, p.Asn2784fs (NM_001374730.1, NM_001386100.1, NM_183380.4); c.15269dup, p.Asn5090fs (NM_001374734.1); c.7373dup, p.Asn2458fs (NM_015548.5); short protein forms N4870fs, N2458fs, N5081fs, N2824fs, N5090fs, N2784fs, N2962fs.
Identifiers: ClinVar variation 2947764 (VCV002947764.3), dbSNP rs2535342236, ClinGen allele CA2740091375.